The following is an entry in ClinVar:

ClinVar aggregate classification (germline): Benign/Likely benign. Review status: criteria provided, multiple submitters, no conflicts (2 of 4 stars). 2 submissions from 2 submitters: Benign (1); Likely benign (1). Last evaluated 2026-01-24.

Conditions:
FERMT1-related disorder. Also called: FERMT1-related condition.

Allele frequency attached by ClinVar (database versions not stated): gnomAD exomes 0.00013 and 0.00041; ExAC 0.00051; gnomAD 0.00160 and 0.00178; 1000 Genomes Project 30x 0.00172; TOPMed 0.00178; ESP Exome Variant Server 0.00184.

Submissions (2):

Labcorp Genetics (formerly Invitae), Labcorp
Classification: Benign. Last evaluated: 2026-01-24. Review status: criteria provided, single submitter. Criteria: Invitae Variant Classification Sherloc (09022015). Collection method: clinical testing. Allele origin: germline.

PreventionGenetics, part of Exact Sciences
Classification: Likely benign for FERMT1-related condition. Last evaluated: 2024-11-20. Review status: criteria provided, single submitter. Criteria: ACMG Guidelines, 2015. Collection method: clinical testing. Allele origin: germline.
Comment: This variant is classified as likely benign based on ACMG/AMP sequence variant interpretation guidelines (Richards et al. 2015 PMID: 25741868, with internal and published modifications).

NM_017671.5(FERMT1):c.606_608del (p.Met203del)

Gene: FERMT1 (FERM domain containing kindlin 1; minus strand). Cytogenetic location: 20p12.3.
Variant type: Deletion.
Coding change: c.606_608del on transcript NM_017671.5 (MANE Select); coding-DNA positions 606 to 608, 3 bases deleted (CAT; older notation c.606_608delCAT).
Protein change: p.Met203del; deletes methionine 203.
Molecular consequence: inframe deletion.
Genome position (GRCh38, 1-based): chr20:6,110,436-6,110,438, ATG deleted on the plus strand (CAT on the coding strand, the reverse complement: FERMT1 is on the minus strand). VCF-style (leftmost placement, unchanged base first): chr20-6110435-CATG-C. GRCh37 (hg19) VCF-style: chr20-6091082-CATG-C.
Other names: short protein forms M203del.
Identifiers: ClinVar variation 339228 (VCV000339228.14), dbSNP rs150175364, ClinGen allele CA9758419.